The following is an entry in ClinVar:

NM_002471.4(MYH6):c.5542C>T (p.Arg1848Cys)

Gene: MYH6 (myosin heavy chain 6; minus strand). Cytogenetic location: 14q11.2.
Variant type: single nucleotide variant.
Coding change: c.5542C>T on transcript NM_002471.4 (MANE Select); coding-DNA position 5542, C replaced by T.
Protein change: p.Arg1848Cys; replaces arginine 1848 with cysteine.
Molecular consequence: missense variant.
Genome position (GRCh38, 1-based): chr14:23,384,465, G>A on the plus strand (C>T on the coding strand, the complement: MYH6 is on the minus strand). VCF-style: chr14-23384465-G-A. GRCh37 (hg19) VCF-style: chr14-23853674-G-A.
Other names: short protein forms R1848C.
Identifiers: ClinVar variation 518955 (VCV000518955.15), dbSNP rs570853853, ClinGen allele CA7114404.

ClinVar aggregate classification (germline): Uncertain significance. Review status: criteria provided, multiple submitters, no conflicts (2 of 4 stars). 2 submissions from 2 submitters: Uncertain significance (2). Last evaluated 2025-12-30.

Conditions:
Cardiovascular phenotype. Identifiers: MedGen CN230736.
Hypertrophic cardiomyopathy 14. Identifiers: MedGen C2750467, MONDO:0013197, OMIM 613251.

Allele frequency attached by ClinVar (database versions not stated): gnomAD 0.00001 and 0.00003; gnomAD exomes 0.00001; ExAC 0.00002; TOPMed 0.00002; 1000 Genomes Project 30x 0.00031; 1000 Genomes Project 0.00040.
gnomAD v4.1: 16 of 1,611,548 alleles (0.00099%); highest among the groups gnomAD compares: Admixed American, 0.0067%; no homozygotes.

Submissions (2):

Labcorp Genetics (formerly Invitae), Labcorp
Classification: Uncertain significance for Hypertrophic cardiomyopathy 14. Last evaluated: 2025-12-30. Review status: criteria provided, single submitter. Criteria: Invitae Variant Classification Sherloc (09022015). Collection method: clinical testing. Allele origin: germline.
Comment: This sequence change replaces arginine, which is basic and polar, with cysteine, which is neutral and slightly polar, at codon 1848 of the MYH6 protein (p.Arg1848Cys). This variant is present in population databases (rs570853853, gnomAD 0.01%). This variant has not been reported in the literature in individuals affected with MYH6-related conditions. ClinVar contains an entry for this variant (Variation ID: 518955). Invitae Evidence Modeling of protein sequence and biophysical properties (such as structural, functional, and spatial information, amino acid conservation, physicochemical variation, residue mobility, and thermodynamic stability) indicates that this missense variant is expected to disrupt MYH6 protein function with a positive predictive value of 80%. In summary, the available evidence is currently insufficient to determine the role of this variant in disease. Therefore, it has been classified as a Variant of Uncertain Significance.

Ambry Genetics
Classification: Uncertain significance for Cardiovascular phenotype. Last evaluated: 2025-10-27. Review status: criteria provided, single submitter. Criteria: Ambry Variant Classification Scheme 2023. Collection method: clinical testing. Allele origin: germline.
Comment: The p.R1848C variant (also known as c.5542C>T), located in coding exon 34 of the MYH6 gene, results from a C to T substitution at nucleotide position 5542. The arginine at codon 1848 is replaced by cysteine, an amino acid with highly dissimilar properties. This variant was previously reported in the SNPDatabase as rs570853853. Based on data from ExAC, the T allele has an overall frequency of <0.01% (2/106104). This amino acid position is highly conserved in all available vertebrate species. In addition, this alteration is predicted to be deleterious by in silico analysis. Since supporting evidence is limited at this time, the clinical significance of this alteration remains unclear.